The following is an entry in ClinVar:

ClinVar aggregate classification (germline): Uncertain significance (1 of 4 stars; one submission).

Conditions:
Developmental and epileptic encephalopathy, 25 (DEE25). Also called: Epileptic encephalopathy, early infantile, 25; Developmental and epileptic encephalopathy 25, with amelogenesis imperfecta; Epileptic encephalopathy, early infantile, 25, with amelogenesis imperfecta. Identifiers: Orphanet 442835, MedGen C4014621, MONDO:0014392, OMIM 615905.

Submission:

Labcorp Genetics (formerly Invitae), Labcorp
Classification: Uncertain significance for Epileptic encephalopathy, early infantile, 25. Last evaluated: 2019-03-06. Review status: criteria provided, single submitter. Criteria: Invitae Variant Classification Sherloc (09022015). Collection method: clinical testing. Allele origin: germline.
Comment: This variant results in a copy number gain of the genomic region encompassing the full coding sequence of the SLC13A5 gene. The boundaries of this event are unknown as they extend beyond the assayed region for this gene and therefore may encompass additional genes. As the precise location of this event is unknown, it may be in tandem or it may be located elsewhere in the genome. This variant has not been reported in the literature in individuals with SLC13A5-related conditions. Experimental studies are not available for this variant, and the functional significance of a copy number gain of this gene is currently unknown. In summary, the available evidence is currently insufficient to determine the role of this variant in disease. Therefore, it has been classified as a Variant of Uncertain Significance.

NC_000017.11:g.(?_6686187)_(6713353_?)dup

Gene: SLC13A5 (solute carrier family 13 member 5; minus strand). Cytogenetic location: 17p13.1.
Variant type: Duplication.
Identifiers: ClinVar variation 831005 (VCV000831005.1).